The following is an entry in ClinVar:

NM_001377275.1(PER3):c.2435T>C (p.Leu812Pro)

Genes: PER3 (period circadian regulator 3; plus strand), LOC126805604 (CDK7 strongly-dependent group 2 enhancer GRCh37_chr1:7886590-7887789; plus strand). Cytogenetic location: 1p36.23.
Variant type: single nucleotide variant.
Coding change: c.2435T>C on transcript NM_001377275.1 (MANE Select); coding-DNA position 2435, T replaced by C.
Protein change: p.Leu812Pro; replaces leucine 812 with proline.
Molecular consequence: missense variant.
Genome position (GRCh38, 1-based): chr1:7,827,364, T>C. VCF-style: chr1-7827364-T-C. GRCh37 (hg19) VCF-style: chr1-7887424-T-C.
Other names: c.2435T>C, p.Leu812Pro (NM_001289861.2, NM_001289862.2); c.2414T>C, p.Leu805Pro (NM_001289863.3, NM_001377276.1); c.1478T>C, p.Leu493Pro (NM_001289864.3); c.2411T>C, p.Leu804Pro (NM_016831.4); short protein forms L493P, L805P, L804P, L812P.
Identifiers: ClinVar variation 720980 (VCV000720980.5), dbSNP rs776616940, ClinGen allele CA568408.

ClinVar aggregate classification (germline): Likely benign. Review status: criteria provided, single submitter (1 of 4 stars). 2 submissions from 2 submitters: Likely benign (1). 1 of the submissions does not count toward it. Last evaluated 2017-08-02.

Conditions:
PER3-related disorder. Also called: PER3-related condition.

Allele frequency attached by ClinVar (database versions not stated): TOPMed 0.00070; gnomAD 0.00073 and 0.00071; gnomAD exomes 0.00023; ExAC 0.00038; 1000 Genomes Project 30x 0.00141.
gnomAD v4.1: 314 of 1,613,812 alleles (0.019%); highest among the groups gnomAD compares: African/African-American, 0.24%; 1 homozygote.

Submissions (2):

Labcorp Genetics (formerly Invitae), Labcorp
Classification: Likely benign. Last evaluated: 2017-08-02. Review status: criteria provided, single submitter. Criteria: Invitae Variant Classification Sherloc (09022015). Collection method: clinical testing. Allele origin: germline.

PreventionGenetics, part of Exact Sciences
Classification: Likely benign for PER3-related condition. Last evaluated: 2022-02-18. Review status: no assertion criteria provided. Collection method: clinical testing. Allele origin: germline. Not counted in ClinVar's aggregate classification.
Comment: This variant is classified as likely benign based on ACMG/AMP sequence variant interpretation guidelines (Richards et al. 2015 PMID: 25741868, with internal and published modifications).